The following is an entry in ClinVar:

ClinVar aggregate classification (germline): Uncertain significance (1 of 4 stars; one submission).

Allele frequency attached by ClinVar (database versions not stated): TOPMed below 0.00001; ExAC 0.00001; gnomAD 0.00001.
gnomAD v4.1: 4 of 1,612,508 alleles (0.00025%); highest among the groups gnomAD compares: African/African-American, 0.0013%; no homozygotes.

Submission:

Ambry Genetics
Classification: Uncertain significance. Last evaluated: 2022-08-13. Review status: criteria provided, single submitter. Criteria: Ambry Variant Classification Scheme 2023. Collection method: clinical testing. Allele origin: germline.
Comment: The p.V1538I variant (also known as c.4612G>A), located in coding exon 16 of the POLQ gene, results from a G to A substitution at nucleotide position 4612. The valine at codon 1538 is replaced by isoleucine, an amino acid with highly similar properties. This amino acid position is conserved. In addition, this alteration is predicted to be tolerated by in silico analysis. Since supporting evidence is limited at this time, the clinical significance of this alteration remains unclear.

NM_199420.4(POLQ):c.4612G>A (p.Val1538Ile)

Gene: POLQ (DNA polymerase theta; minus strand). Cytogenetic location: 3q13.33.
Variant type: single nucleotide variant.
Coding change: c.4612G>A on transcript NM_199420.4 (MANE Select); coding-DNA position 4612, G replaced by A.
Protein change: p.Val1538Ile; replaces valine 1538 with isoleucine.
Molecular consequence: missense variant.
Genome position (GRCh38, 1-based): chr3:121,488,319, C>T on the plus strand (G>A on the coding strand, the complement: POLQ is on the minus strand). VCF-style: chr3-121488319-C-T. GRCh37 (hg19) VCF-style: chr3-121207166-C-T.
Other names: short protein forms V1538I.
Identifiers: ClinVar variation 1741907 (VCV001741907.2), dbSNP rs746786413, ClinGen allele CA2562868.